The following is an entry in ClinVar:

ClinVar aggregate classification (germline): Likely benign (1 of 4 stars; one submission).

gnomAD v4.1: 175 of 1,613,628 alleles (0.011%); highest among the groups gnomAD compares: Admixed American, 0.017%; no homozygotes.

Submission:

CeGaT Center for Human Genetics Tuebingen
Classification: Likely benign. Last evaluated: 2024-08-01. Review status: criteria provided, single submitter. Criteria: CeGaT Center For Human Genetics Tuebingen Variant Classification Criteria Version 2. Collection method: clinical testing. Allele origin: germline. Affected: yes. Observed: 1 variant allele.
Comment: DSCAM: BS2

NM_001389.5(DSCAM):c.4168A>G (p.Thr1390Ala)

Gene: DSCAM (DS cell adhesion molecule; minus strand). Cytogenetic location: 21q22.2.
Variant type: single nucleotide variant.
Coding change: c.4168A>G on transcript NM_001389.5 (MANE Select); coding-DNA position 4168, A replaced by G.
Protein change: p.Thr1390Ala; replaces threonine 1390 with alanine.
Molecular consequence: missense variant. On other transcripts: non-coding transcript variant (1).
Genome position (GRCh38, 1-based): chr21:40,083,971, T>C on the plus strand (A>G on the coding strand, the complement: DSCAM is on the minus strand). VCF-style: chr21-40083971-T-C. GRCh37 (hg19) VCF-style: chr21-41455898-T-C.
Other names: c.4168A>G, p.Thr1390Ala (NM_001271534.3); short protein forms T1390A.
Identifiers: ClinVar variation 3341780 (VCV003341780.16).